The following is an entry in ClinVar:

ClinVar aggregate classification (germline): Uncertain significance (1 of 4 stars; one submission).

Submission:

Labcorp Genetics (formerly Invitae), Labcorp
Classification: Uncertain significance. Last evaluated: 2024-02-22. Review status: criteria provided, single submitter. Criteria: Invitae Variant Classification Sherloc (09022015). Collection method: clinical testing. Allele origin: germline.
Comment: This sequence change replaces alanine, which is neutral and non-polar, with proline, which is neutral and non-polar, at codon 269 of the RORB protein (p.Ala269Pro). This variant is not present in population databases (gnomAD no frequency). This variant has not been reported in the literature in individuals affected with RORB-related conditions. An algorithm developed to predict the effect of missense changes on protein structure and function (PolyPhen-2) suggests that this variant is likely to be disruptive. In summary, the available evidence is currently insufficient to determine the role of this variant in disease. Therefore, it has been classified as a Variant of Uncertain Significance.

NM_006914.4(RORB):c.805G>C (p.Ala269Pro)

Gene: RORB (RAR related orphan receptor B; plus strand). Cytogenetic location: 9q21.13.
Variant type: single nucleotide variant.
Coding change: c.805G>C on transcript NM_006914.4 (MANE Select); coding-DNA position 805, G replaced by C.
Protein change: p.Ala269Pro; replaces alanine 269 with proline.
Molecular consequence: missense variant.
Genome position (GRCh38, 1-based): chr9:74,662,519, G>C. VCF-style: chr9-74662519-G-C. GRCh37 (hg19) VCF-style: chr9-77277435-G-C.
Other names: c.838G>C, p.Ala280Pro (NM_001365023.1); short protein forms A280P, A269P.
Identifiers: ClinVar variation 3642454 (VCV003642454.2).